The following is an entry in ClinVar:

NM_152703.5(SAMD9L):c.2710G>A (p.Val904Ile)

Gene: SAMD9L (sterile alpha motif domain containing 9 like; minus strand). Cytogenetic location: 7q21.2.
Variant type: single nucleotide variant.
Coding change: c.2710G>A on transcript NM_152703.5 (MANE Select); coding-DNA position 2710, G replaced by A.
Protein change: p.Val904Ile; replaces valine 904 with isoleucine.
Molecular consequence: missense variant.
Genome position (GRCh38, 1-based): chr7:93,133,262, C>T on the plus strand (G>A on the coding strand, the complement: SAMD9L is on the minus strand). VCF-style: chr7-93133262-C-T. GRCh37 (hg19) VCF-style: chr7-92762575-C-T.
Other names: c.2710G>A, p.Val904Ile (NM_001303496.3, NM_001303497.3, NM_001303498.3 and 5 more transcripts); short protein forms V904I.
Identifiers: ClinVar variation 2796966 (VCV002796966.3), dbSNP rs558663380, ClinGen allele CA4343552.

ClinVar aggregate classification (germline): Uncertain significance (1 of 4 stars; one submission).

Allele frequency attached by ClinVar (database versions not stated): ExAC 0.00001; gnomAD 0.00001; 1000 Genomes Project 30x 0.00016; 1000 Genomes Project 0.00020.
gnomAD v4.1: 1 of 1,613,196 alleles (0.000062%); highest among the groups gnomAD compares: East Asian, 0.0022%; no homozygotes.

Submission:

Labcorp Genetics (formerly Invitae), Labcorp
Classification: Uncertain significance. Last evaluated: 2023-09-05. Review status: criteria provided, single submitter. Criteria: Invitae Variant Classification Sherloc (09022015). Collection method: clinical testing. Allele origin: germline.
Comment: This sequence change replaces valine, which is neutral and non-polar, with isoleucine, which is neutral and non-polar, at codon 904 of the SAMD9L protein (p.Val904Ile). This variant is present in population databases (rs558663380, gnomAD 0.006%). This variant has not been reported in the literature in individuals affected with SAMD9L-related conditions. Advanced modeling of protein sequence and biophysical properties (such as structural, functional, and spatial information, amino acid conservation, physicochemical variation, residue mobility, and thermodynamic stability) performed at Invitae indicates that this missense variant is not expected to disrupt SAMD9L protein function. In summary, the available evidence is currently insufficient to determine the role of this variant in disease. Therefore, it has been classified as a Variant of Uncertain Significance.